The following is an entry in ClinVar:

ClinVar aggregate classification (germline): Pathogenic (1 of 4 stars; one submission).

Submission:

Labcorp Genetics (formerly Invitae), Labcorp
Classification: Pathogenic. Last evaluated: 2023-07-22. Review status: criteria provided, single submitter. Criteria: Invitae Variant Classification Sherloc (09022015). Collection method: clinical testing. Allele origin: germline.
Comment: For these reasons, this variant has been classified as Pathogenic. This variant has not been reported in the literature in individuals affected with CIT-related conditions. This variant is not present in population databases (gnomAD no frequency). This sequence change creates a premature translational stop signal (p.Val397Phefs*8) in the CIT gene. It is expected to result in an absent or disrupted protein product. Loss-of-function variants in CIT are known to be pathogenic (PMID: 27453579).

Literature cited by the submitters: PubMed 27453579.

NM_001206999.2(CIT):c.1189del (p.Val397fs)

Gene: CIT (citron rho-interacting serine/threonine kinase; minus strand). Cytogenetic location: 12q24.23.
Variant type: Deletion.
Coding change: c.1189del on transcript NM_001206999.2 (MANE Select); coding-DNA position 1189, one base deleted (G; older notation c.1189delG).
Protein change: p.Val397fs; shifts the reading frame from valine 397.
Molecular consequence: frameshift variant.
Genome position (GRCh38, 1-based): chr12:119,803,312, C deleted on the plus strand (G on the coding strand, the reverse complement: CIT is on the minus strand); the first of 3 consecutive C bases (chr12:119,803,312-119,803,314); deleting any one gives the same sequence. VCF-style (leftmost placement, unchanged base first): chr12-119803311-AC-A. GRCh37 (hg19) VCF-style: chr12-120241115-AC-A.
Other names: c.1189del, p.Val397fs (NM_007174.3); short protein forms V397fs.
Identifiers: ClinVar variation 2895340 (VCV002895340.3), dbSNP rs2502433914, ClinGen allele CA2739277336.